The following is an entry in ClinVar:

ClinVar aggregate classification (germline): Uncertain significance. Review status: criteria provided, multiple submitters, no conflicts (2 of 4 stars). 2 submissions from 2 submitters: Uncertain significance (2). Last evaluated 2026-02-10.

Conditions:
Charcot-Marie-Tooth disease type 4. Also called: Charcot-Marie-Tooth, Type 4; Charcot-Marie-Tooth disease, type IV. Identifiers: Orphanet 64749, MedGen C4082197, MONDO:0018995.

Submissions (2):

GeneDx
Classification: Uncertain significance. Last evaluated: 2026-02-10. Review status: criteria provided, single submitter. Criteria: GeneDx Variant Classification Process June 2021. Collection method: clinical testing. Allele origin: germline.
Comment: Not observed at significant frequency in large population cohorts (gnomAD); In silico analysis suggests that this variant does not alter protein structure/function; Has not been previously published as pathogenic or benign to our knowledge

Labcorp Genetics (formerly Invitae), Labcorp
Classification: Uncertain significance for Charcot-Marie-Tooth disease type 4. Last evaluated: 2021-05-31. Review status: criteria provided, single submitter. Criteria: Invitae Variant Classification Sherloc (09022015). Collection method: clinical testing. Allele origin: germline.
Comment: This variant has not been reported in the literature in individuals with PRX-related conditions. In summary, the available evidence is currently insufficient to determine the role of this variant in disease. Therefore, it has been classified as a Variant of Uncertain Significance. Algorithms developed to predict the effect of missense changes on protein structure and function are either unavailable or do not agree on the potential impact of this missense change (SIFT: "Not Available"; PolyPhen-2: "Benign"; Align-GVGD: "Not Available"). This sequence change replaces valine with alanine at codon 882 of the PRX protein (p.Val882Ala). The valine residue is weakly conserved and there is a small physicochemical difference between valine and alanine.

NM_181882.3(PRX):c.2645_2646inv (p.Val882Ala)

Gene: PRX (periaxin; minus strand). Cytogenetic location: 19q13.2.
Variant type: Inversion.
Coding change: c.2645_2646inv on transcript NM_181882.3 (MANE Select).
Protein change: p.Val882Ala; replaces valine 882 with alanine.
Molecular consequence: missense variant. On other transcripts: 3 prime UTR variant (1).
Genome position: GRCh38 VCF-style: chr19-40395706-CA-TG. GRCh37 (hg19) VCF-style: chr19-40901613-CA-TG.
Other names: c.*2850_*2851inv (NM_020956.2); c.2645_2646delinsCA (NM_181882.2); short protein forms V882A.
Identifiers: ClinVar variation 1359765 (VCV001359765.6), ClinGen allele CA2573156369.